The following is an entry in ClinVar:

ClinVar aggregate classification (germline): Likely benign (1 of 4 stars; one submission).

Allele frequency attached by ClinVar (database versions not stated): gnomAD exomes 0.00051; 1000 Genomes Project 30x 0.00265; 1000 Genomes Project 0.00300; gnomAD 0.00491 and 0.00533; TOPMed 0.00555.
gnomAD v4.1: 1,459 of 1,506,288 alleles (0.097%); highest among the groups gnomAD compares: African/African-American, 1.8%; 15 homozygotes.

Submission:

GeneDx
Classification: Likely benign. Last evaluated: 2018-06-19. Review status: criteria provided, single submitter. Criteria: GeneDx Variant Classification (06012015). Collection method: clinical testing. Allele origin: germline. Affected: yes.
Comment: This variant is considered likely benign or benign based on one or more of the following criteria: it is a conservative change, it occurs at a poorly conserved position in the protein, it is predicted to be benign by multiple in silico algorithms, and/or has population frequency not consistent with disease.

NM_006393.3(NEBL):c.1560+75C>T

Gene: NEBL (nebulette; minus strand). Cytogenetic location: 10p12.31.
Variant type: single nucleotide variant.
Coding change: c.1560+75C>T on transcript NM_006393.3 (MANE Select); 75 bases into the intron after coding-DNA position 1560, C replaced by T.
Molecular consequence: intron variant.
Genome position (GRCh38, 1-based): chr10:20,831,398, G>A on the plus strand (C>T on the coding strand, the complement: NEBL is on the minus strand). VCF-style: chr10-20831398-G-A. GRCh37 (hg19) VCF-style: chr10-21120327-G-A.
Other names: c.250-18458C>T (NM_001377326.1, NM_001377327.1, NM_001377328.1); c.358-18458C>T (NM_213569.2, NM_001173484.2, NM_001377322.1); c.301-18458C>T (NM_001377324.1); c.292-18458C>T (NM_001377325.1); c.310-18458C>T (NM_001377323.1).
Identifiers: ClinVar variation 676060 (VCV000676060.1), dbSNP rs71578942, ClinGen allele CA204164074.
Genomic context (GRCh38, chr10:20,831,398, plus strand): 5'-GCTTAAGCTTTAATAGCGATGTTGAAATTTACATGTTTGAATCTCAAAGCCACCCATGTG[G>A]AAAGAAAACTTATGCTCTTTCCAGCTATGATTCACGGCATTTATTTTAAACTTTGTATCT-3'